The following is an entry in ClinVar:

NM_198253.3(TERT):c.219+4G>A

Genes: TERT (telomerase reverse transcriptase; minus strand), LOC110806263 (TERT 5' regulatory region; plus strand). Cytogenetic location: 5p15.33.
Variant type: single nucleotide variant.
Coding change: c.219+4G>A on transcript NM_198253.3 (MANE Select); 4 bases into the intron after coding-DNA position 219, G replaced by A.
Molecular consequence: intron variant.
Genome position (GRCh38, 1-based): chr5:1,294,767, C>T on the plus strand (G>A on the coding strand, the complement: TERT is on the minus strand). VCF-style: chr5-1294767-C-T. GRCh37 (hg19) VCF-style: chr5-1294882-C-T.
Other names: c.219+4G>A (NM_001193376.3).
Identifiers: ClinVar variation 4182767 (VCV004182767.1).
Genomic context (GRCh38, chr5:1,294,767, plus strand): 5'-CATGTCGCTGGTTCCCCCCGGCCGCCCTCAACCCCAGCCGGACGCCGACCCCGGGGAGGC[C>T]CACCTGGCGGAAGGAGGGGGCGGCGGGGGGCGGCCGTGCGTCCCAGGGCACGCACACCAG-3'

ClinVar aggregate classification (germline): Uncertain significance (1 of 4 stars; one submission).

Conditions:
Dyskeratosis congenita. Identifiers: Orphanet 1775, MedGen C0265965, MONDO:0015780.

Submission:

Ambry Genetics
Classification: Uncertain significance for Dyskeratosis congenita. Last evaluated: 2025-09-04. Review status: criteria provided, single submitter. Criteria: Ambry Variant Classification Scheme 2023. Collection method: clinical testing. Allele origin: germline.
Comment: The c.219+4G>A intronic variant results from a G to A substitution 4 nucleotides after coding exon 1 in the TERT gene. This nucleotide position is well conserved in available vertebrate species. In silico splice site analysis predicts that this alteration will not have any significant effect on splicing. Based on the available evidence, the clinical significance of this variant remains unclear.